The following is an entry in ClinVar:

NM_005502.4(ABCA1):c.1130C>A (p.Pro377Gln)

Gene: ABCA1 (ATP binding cassette subfamily A member 1; minus strand). Cytogenetic location: 9q31.1.
Variant type: single nucleotide variant.
Coding change: c.1130C>A on transcript NM_005502.4 (MANE Select); coding-DNA position 1130, C replaced by A.
Protein change: p.Pro377Gln; replaces proline 377 with glutamine.
Molecular consequence: missense variant.
Genome position (GRCh38, 1-based): chr9:104,837,492, G>T on the plus strand (C>A on the coding strand, the complement: ABCA1 is on the minus strand). VCF-style: chr9-104837492-G-T. GRCh37 (hg19) VCF-style: chr9-107599773-G-T.
Other names: short protein forms P377Q.
Identifiers: ClinVar variation 2091052 (VCV002091052.4), dbSNP rs781460718, ClinGen allele CA197403030.
Genomic context (GRCh38, chr9:104,837,492, plus strand): 5'-GCCATGACCTGCCTTGTGGCTGGAGTGTCAGGTGTATACAGGATCTTCCCAACGAGCAGC[G>T]GCTTCAGAGCTTTCCAGATAATGCGGGAAAGAGGACTAGACTCCAAATTCTTCATCAAAT-3'
Protein context (NP_005493.2, residues 367-387): LSRIIWKALK[Pro377Gln]LLVGKILYTP

ClinVar aggregate classification (germline): Uncertain significance (1 of 4 stars; one submission).

Allele frequency attached by ClinVar (database versions not stated): gnomAD 0.00001; TOPMed 0.00001.
gnomAD v4.1: 1 of 1,614,000 alleles (0.000062%); highest among the groups gnomAD compares: African/African-American, 0.0013%; no homozygotes.

Submission:

Labcorp Genetics (formerly Invitae), Labcorp
Classification: Uncertain significance. Last evaluated: 2022-04-06. Review status: criteria provided, single submitter. Criteria: Invitae Variant Classification Sherloc (09022015). Collection method: clinical testing. Allele origin: germline.
Comment: In summary, the available evidence is currently insufficient to determine the role of this variant in disease. Therefore, it has been classified as a Variant of Uncertain Significance. Advanced modeling of protein sequence and biophysical properties (such as structural, functional, and spatial information, amino acid conservation, physicochemical variation, residue mobility, and thermodynamic stability) performed at Invitae indicates that this missense variant is expected to disrupt ABCA1 protein function. This variant has not been reported in the literature in individuals affected with ABCA1-related conditions. This variant is present in population databases (no rsID available, gnomAD 0.01%). This sequence change replaces proline, which is neutral and non-polar, with glutamine, which is neutral and polar, at codon 377 of the ABCA1 protein (p.Pro377Gln).